The following is an entry in ClinVar:

NM_000287.4(PEX6):c.1131-106G>A

Gene: PEX6 (peroxisomal biogenesis factor 6; minus strand). Cytogenetic location: 6p21.1.
Variant type: single nucleotide variant.
Coding change: c.1131-106G>A on transcript NM_000287.4 (MANE Select); 106 bases into the intron before coding-DNA position 1131, G replaced by A.
Molecular consequence: intron variant.
Genome position (GRCh38, 1-based): chr6:42,970,093, C>T on the plus strand (G>A on the coding strand, the complement: PEX6 is on the minus strand). VCF-style: chr6-42970093-C-T. GRCh37 (hg19) VCF-style: chr6-42937831-C-T.
Other names: c.867-106G>A (NM_001316313.2).
Identifiers: ClinVar variation 1707120 (VCV001707120.2), dbSNP rs80177971, ClinGen allele CA138228138.

ClinVar aggregate classification (germline): Likely benign (1 of 4 stars; one submission).

Allele frequency attached by ClinVar (database versions not stated): gnomAD 0.00685; TOPMed 0.00711; 1000 Genomes Project 0.00938; 1000 Genomes Project 30x 0.01062.
gnomAD v4.1: 1,626 of 860,620 alleles (0.19%); highest among the groups gnomAD compares: African/African-American, 2.2%; 10 homozygotes.

Submission:

GeneDx
Classification: Likely benign. Last evaluated: 2020-09-20. Review status: criteria provided, single submitter. Criteria: GeneDx Variant Classification Process June 2021. Collection method: clinical testing. Allele origin: germline. Affected: yes.
Comment: See Variant Classification Assertion Criteria.